The following is an entry in ClinVar:

ClinVar aggregate classification (germline): Uncertain significance. Review status: reviewed by expert panel (3 of 4 stars). 20 submissions from 20 submitters: Uncertain significance (1). 19 of the submissions do not count toward it. Last evaluated 2018-08-10.

Conditions:
Mild hyperphenylalaninemia. Identifiers: Orphanet 79651, MedGen C5680207, MONDO:0019335.
PAH-related disorder. Also called: PAH-related condition.
Phenylketonuria (PKU). Also called: FOLLING DISEASE; Phenylketonurias; OLIGOPHRENIA PHENYLPYRUVICA; Phenylketonuria (PKU). Identifiers: Orphanet 716, MedGen C0031485, MONDO:0009861, OMIM 261600. Disease mechanism: loss of function.

Allele frequency attached by ClinVar (database versions not stated): TOPMed 0.00150; ExAC 0.00175; 1000 Genomes Project 30x 0.00234; 1000 Genomes Project 0.00300; gnomAD 0.00131 and 0.00091; ESP Exome Variant Server 0.00062; gnomAD exomes 0.00168.
gnomAD v4.1: 2,510 of 1,608,812 alleles (0.16%); highest among the groups gnomAD compares: East Asian, 3.1%; 31 homozygotes.

Submissions 1 to 9 of 20:

ClinGen PAH Variant Curation Expert Panel
Classification: Uncertain significance for Phenylketonuria. Last evaluated: 2018-08-10. Review status: reviewed by expert panel. Criteria: ClinGen PAH ACMG Specifications v1. Collection method: curation. Allele origin: germline. Inheritance: Autosomal recessive inheritance.
Comment: PAH-specific ACMG/AMP criteria applied: BS1: MAF=0.01596 in ExAC (138/8648) and 0.0104 in gnomAD (265/18868 with 3 homozygotes); PP4: Detected in a patient with mild hyperphe (PMID:24401910); PM3: Detected with V388L (LP) (PMID:24401910). In summary this variant meets criteria to be classified as uncertain significance for phenylketonuria in an autosomal recessive manner based on the ACMG/AMP criteria applied as specified by the PAH Expert Panel: (BS1, PP4, PM3).

GeneDx
Classification: Uncertain significance. Last evaluated: 2026-08-05. Review status: criteria provided, single submitter. Criteria: GeneDx Variant Classification Process June 2021. Collection method: clinical testing. Allele origin: germline. Not counted in ClinVar's aggregate classification.
Comment: Reported primarily in association with a mild hyperphenylalaninemia (HPA) phenotype (PMID: 27173423, 23764561, 26322415, 23932990); In silico analysis supports that this missense variant has a deleterious effect on protein structure/function; This variant is associated with the following publications: (PMID: 30747360, 17924342, 25087612, 27264808, 26666653, 28676969, 34704413, 20981092, 24082139, 26521805, 23764561, 26322415, 9452061, 17935162, 23932990, 29653233, 29499199, 29032371, 30512147, 30459323, 28982351, 29454221, 30050108, 29390883, 29353259, 24401910, 30945278, 31355225, 30275481, 34426522, 33465300, 35193651, 35095998, 35405047, 33161754, 36537053, 16253218, 34405919, 34662886, 36646061, 36845377, 36577126, 32668217, 32778825, 36246604, 27173423, 38105685, 38784038, 38863445, 40293582, 38448014, 39670100, 42353313, 41724458, 41413260, 40727585, 41291872, 42422968)

Labcorp Genetics (formerly Invitae), Labcorp
Classification: Benign for Phenylketonuria. Last evaluated: 2026-02-04. Review status: criteria provided, single submitter. Criteria: Invitae Variant Classification Sherloc (09022015). Collection method: clinical testing. Allele origin: germline. Not counted in ClinVar's aggregate classification.

Kasturba Medical College, Manipal, Kasturba Medical College, Manipal, Manipal Academy of Higher Education, Manipal, India
Classification: Uncertain significance for mild hyperphenylalaninemia. Last evaluated: 2026-01-01. Review status: criteria provided, single submitter. Criteria: ACMG Guidelines, 2015. Collection method: research. Allele origin: maternal. Affected: yes. Observed: 1 heterozygote. Not counted in ClinVar's aggregate classification.
Comment: This variant is observed in heterozygous state in 2510 individuals in population database gnomAD (v4.1.0) and in 12 individuals in our in-house data of 3801 exomes. This variant is observed in homozygous state in 31 individuals in gnomAD (v4.1.0) and absent in our in-house database. In-silico prediction tools (CADD_phred, REVEL) are consistent in predicting the variant to be damaging to PAH protein function. Clingen has curated this variant as variant of uncertain significance (CA229447). This variant is frequently observed in trans with other disease-causing variants in individuals with mild hyperphenylalaninemia (Tao et al., 2021; Yan et al., 2019).

Revvity Omics, Revvity
Classification: Uncertain significance for Phenylketonuria. Last evaluated: 2025-08-12. Review status: criteria provided, single submitter. Criteria: ACMG Guidelines, 2015. Collection method: clinical testing. Allele origin: germline. Not counted in ClinVar's aggregate classification.

3billion
Classification: Uncertain significance for Phenylketonuria. Last evaluated: 2025-05-21. Review status: criteria provided, single submitter. Criteria: ACMG Guidelines, 2015. Collection method: clinical testing. Allele origin: germline. Affected: yes. Not counted in ClinVar's aggregate classification.
Comment: The variant is observed in the gnomAD v4.1.0 dataset (total allele frequency: 0.156%). Predicted Consequence/Location: Missense variant In silico tool predictions suggest damaging effect of the variant on gene or gene product [REVEL: 0.79 (>=0.6, sensitivity 0.68 and specificity 0.92); 3Cnet: 0.98 (> 0.75, sensitivity 0.96 and precision 0.92)]. Different missense changes at the same codon (p.Arg53Cys, p.Arg53Ser) have been reported as pathogenic/likely pathogenic with strong evidence (ClinVar ID: VCV000102600, VCV001478759). The variant has been reported as benign without evidence for the classification (ClinVar ID: VCV000102601). Therefore, this variant is classified as VUS according to the recommendation of ACMG/AMP guideline.

PreventionGenetics, part of Exact Sciences
Classification: Uncertain significance for PAH-related condition. Last evaluated: 2025-01-23. Review status: criteria provided, single submitter. Criteria: ACMG Guidelines, 2015. Collection method: clinical testing. Allele origin: germline. Not counted in ClinVar's aggregate classification.
Comment: The PAH c.158G>A variant is predicted to result in the amino acid substitution p.Arg53His. This variant has been documented as a common PAH variant in the Chinese population, and has been associated with mild hyperphenylalanemia (mHPA) (Park et al. 1998. PubMed ID: 9452061; Song et al. 2005. PubMed ID: 16256386; Liang et al. 2014 PubMed ID: 24401910; Lin et al. 2019. PubMed ID: 30904546). In a recent study of individuals identified by newborn genetic screening, 16 patients were identified with mildly elevated phenylalanine and the c.158G>A (p.Arg53His) variant on the opposite allele (in trans) from a pathogenic or likely pathogenic PAH variant (Huang et al. 2022. PubMed ID: 35193651). It should be noted that this particular variant has been reported in gnomAD with an allele frequency of >1% in eastern Asian populations, including 3 homozygous individuals and has been suggested to be a likely benign variant based on higher allele frequencies in East Asian populations (Choi et al. 2017. PubMed ID: 29032371). While these higher allele frequencies would normally be considered too common for a recessive, pathogenic variant, the p.Arg53His amino acid change has been shown to only decrease the activity of the PAH protein to ~80% of wild-type (Liang et al. 2014. PubMed ID: 24401910). Such a modest effect on protein activity and the mild clinical phenotype associated with this variant may be consistent with this somewhat high allele frequency, and it is possible this variant may be causative for MHPA but is less likely to be causative for mild to classic phenylketonuria. This variant is currently interpreted as benign, likely benign, or uncertain in the ClinVar database, with the PAH Variant Curation Expert Panel interpreting it as uncertain. Based on the collective evidence, we also interpret the clinical significance of this variant as uncertain.

Genomic Medicine Center of Excellence, King Faisal Specialist Hospital and Research Centre
Classification: Uncertain significance for Phenylketonuria. Last evaluated: 2024-12-19. Review status: criteria provided, single submitter. Criteria: ACMG Guidelines, 2015. Collection method: clinical testing. Allele origin: germline. Not counted in ClinVar's aggregate classification.

Blueprint Genetics
Classification: Uncertain significance. Last evaluated: 2024-10-25. Review status: criteria provided, single submitter. Criteria: ACMG Guidelines, 2015. Collection method: clinical testing. Allele origin: germline. Not counted in ClinVar's aggregate classification.

NM_000277.3(PAH):c.158G>A (p.Arg53His)

Gene: PAH (phenylalanine hydroxylase; minus strand). Cytogenetic location: 12q23.2.
Variant type: single nucleotide variant.
Coding change: c.158G>A on transcript NM_000277.3 (MANE Select); coding-DNA position 158, G replaced by A.
Protein change: p.Arg53His; replaces arginine 53 with histidine.
Molecular consequence: missense variant.
Genome position (GRCh38, 1-based): chr12:102,912,801, C>T on the plus strand (G>A on the coding strand, the complement: PAH is on the minus strand). VCF-style: chr12-102912801-C-T. GRCh37 (hg19) VCF-style: chr12-103306579-C-T.
Other names: NM_000277.2(PAH):c.158G>A; c.158G>A, p.Arg53His (NM_001354304.2); short protein forms R53H.
Identifiers: ClinVar variation 102601 (VCV000102601.42), dbSNP rs118092776, ClinGen allele CA229447.